The following is an entry in ClinVar:

NM_014795.4(ZEB2):c.3267A>C (p.Glu1089Asp)

Gene: ZEB2 (zinc finger E-box binding homeobox 2; minus strand). Cytogenetic location: 2q22.3.
Variant type: single nucleotide variant.
Coding change: c.3267A>C on transcript NM_014795.4 (MANE Select); coding-DNA position 3267, A replaced by C.
Protein change: p.Glu1089Asp; replaces glutamic acid 1089 with aspartic acid.
Molecular consequence: missense variant.
Genome position (GRCh38, 1-based): chr2:144,389,829, T>G on the plus strand (A>C on the coding strand, the complement: ZEB2 is on the minus strand). VCF-style: chr2-144389829-T-G. GRCh37 (hg19) VCF-style: chr2-145147396-T-G.
Other names: c.3195A>C, p.Glu1065Asp (NM_001171653.2); short protein forms E1089D, E1065D.
Identifiers: ClinVar variation 534635 (VCV000534635.8), dbSNP rs1553960775, ClinGen allele CA348699928.

ClinVar aggregate classification (germline): Uncertain significance. Review status: criteria provided, single submitter (1 of 4 stars). 2 submissions from 2 submitters: Uncertain significance (1). 1 of the submissions does not count toward it. Last evaluated 2021-02-24.

Conditions:
Lennox-Gastaut syndrome. Also called: Epileptic encephalopathy Lennox-Gastaut type. Identifiers: Orphanet 2382, MedGen C0238111, MONDO:0016532.
Mowat-Wilson syndrome (MOWS). Also called: Classic Mowat-Wilson Syndrome. Identifiers: Orphanet 2152, MedGen C1856113, MONDO:0009341, OMIM 235730.

Submissions (2):

Labcorp Genetics (formerly Invitae), Labcorp
Classification: Uncertain significance for Mowat-Wilson syndrome. Last evaluated: 2021-02-24. Review status: criteria provided, single submitter. Criteria: Invitae Variant Classification Sherloc (09022015). Collection method: clinical testing. Allele origin: germline.
Comment: In summary, the available evidence is currently insufficient to determine the role of this variant in disease. Therefore, it has been classified as a Variant of Uncertain Significance. Algorithms developed to predict the effect of missense changes on protein structure and function do not agree on the potential impact of this missense change (SIFT: "Deleterious"; PolyPhen-2: "Probably Damaging"; Align-GVGD: "Class C0"). This variant has not been reported in the literature in individuals with ZEB2-related disease. This variant is not present in population databases (ExAC no frequency). This sequence change replaces glutamic acid with aspartic acid at codon 1089 of the ZEB2 protein (p.Glu1089Asp). The glutamic acid residue is highly conserved and there is a small physicochemical difference between glutamic acid and aspartic acid.

Clinical Molecular Genetics Laboratory, Johns Hopkins All Children's Hospital
Classification: Uncertain significance for Lennox-Gastaut syndrome. Last evaluated: 2016-12-08. Review status: no assertion criteria provided. Collection method: clinical testing. Allele origin: germline. Affected: yes. Not counted in ClinVar's aggregate classification.